The following is an entry in ClinVar:

ClinVar aggregate classification (germline): Likely pathogenic (1 of 4 stars; one submission).

Submission:

Labcorp Genetics (formerly Invitae), Labcorp
Classification: Likely pathogenic. Last evaluated: 2024-01-19. Review status: criteria provided, single submitter. Criteria: Invitae Variant Classification Sherloc (09022015). Collection method: clinical testing. Allele origin: germline.
Comment: This sequence change affects a splice site in intron 21 of the TONSL gene. It is expected to disrupt RNA splicing. Variants that disrupt the donor or acceptor splice site typically lead to a loss of protein function (PMID: 16199547), and loss-of-function variants in TONSL are known to be pathogenic (PMID: 30773277). This variant is not present in population databases (gnomAD no frequency). This variant has not been reported in the literature in individuals affected with TONSL-related conditions. In summary, the currently available evidence indicates that the variant is pathogenic, but additional data are needed to prove that conclusively. Therefore, this variant has been classified as Likely Pathogenic.

Literature cited by the submitters: PubMed 16199547; PubMed 30773277.

NM_013432.5(TONSL):c.3387+1_3387+19del

Gene: TONSL (tonsoku like, DNA repair protein; minus strand). Cytogenetic location: 8q24.3.
Variant type: Deletion.
Coding change: c.3387+1_3387+19del on transcript NM_013432.5 (MANE Select); the canonical splice donor site of the intron after coding-DNA position 3387 through 19 bases into the intron after coding-DNA position 3387, 19 bases deleted (GTATAGGCACAGAGAGCAG).
Molecular consequence: splice donor variant.
Genome position (GRCh38, 1-based): chr8:144,433,959-144,433,977, CTGCTCTCTGTGCCTATAC deleted on the plus strand (GTATAGGCACAGAGAGCAG on the coding strand, the reverse complement: TONSL is on the minus strand); deleting any 19 consecutive bases within chr8:144,433,959-144,433,981 gives the same sequence; the c. name uses the placement nearest the transcript's 3' end. VCF-style (leftmost placement, unchanged base first): chr8-144433958-GCTGCTCTCTGTGCCTATAC-G. GRCh37 (hg19) VCF-style: chr8-145659341-GCTGCTCTCTGTGCCTATAC-G.
Identifiers: ClinVar variation 3632941 (VCV003632941.2).